The following is an entry in ClinVar:

NM_000059.4(BRCA2):c.7758G>A (p.Trp2586Ter)

Gene: BRCA2 (BRCA2 DNA repair associated; plus strand). Cytogenetic location: 13q13.1.
Variant type: single nucleotide variant.
Coding change: c.7758G>A on transcript NM_000059.4 (MANE Select); coding-DNA position 7758, G replaced by A.
Protein change: p.Trp2586Ter; replaces tryptophan 2586 with a stop codon.
Molecular consequence: nonsense.
Genome position (GRCh38, 1-based): chr13:32,357,882, G>A. VCF-style: chr13-32357882-G-A. GRCh37 (hg19) VCF-style: chr13-32932019-G-A.
Other names: 7986G>A; short protein forms W2586*.
Identifiers: ClinVar variation 38116 (VCV000038116.38), dbSNP rs80359004, ClinGen allele CA025260.

ClinVar aggregate classification (germline): Pathogenic. Review status: reviewed by expert panel (3 of 4 stars). 21 submissions from 20 submitters: Pathogenic (1). 20 of the submissions do not count toward it. Last evaluated 2016-09-08.

Conditions:
Hereditary cancer-predisposing syndrome. Also called: Tumor predisposition; Neoplastic Syndromes, Hereditary; Hereditary neoplastic syndrome; Hereditary Cancer Syndrome. Identifiers: Orphanet 140162, MedGen C0027672, MeSH D009386, MONDO:0015356.
Hereditary breast ovarian cancer syndrome. Also called: Hereditary breast and ovarian cancer; Hereditary breast and ovarian cancer syndrome (HBOC); Hereditary breast and/or ovarian cancer syndrome; Breast and ovarian cancer; Hereditary breast and ovarian cancer syndrome; BRCA1- and BRCA2-Associated Hereditary Breast and Ovarian Cancer. Identifiers: Orphanet 145, MedGen C0677776, MeSH D061325, MONDO:0003582. Disease mechanism: loss of function.
Malignant tumor of urinary bladder. Also called: Bladder cancer; Urinary bladder cancer; Urinary Bladder Neoplasms. Identifiers: MedGen C0005684, MONDO:0001187, OMIM 109800.
Breast-ovarian cancer, familial, susceptibility to, 2 (BROVCA2). Also called: BRCA2 Hereditary Breast and Ovarian Cancer. Identifiers: Orphanet 145, MedGen C2675520, MONDO:0012933, OMIM 612555. Disease mechanism: loss of function.
Familial cancer of breast. Also called: Hereditary breast cancer; BREAST CANCER, FAMILIAL; hereditary breast carcinoma. Identifiers: Orphanet 227535, MedGen C0346153, MONDO:0016419, OMIM 114480. Disease mechanism: loss of function.

Submissions 1 to 11 of 21:

Evidence-based Network for the Interpretation of Germline Mutant Alleles (ENIGMA)
Classification: Pathogenic for Breast-ovarian cancer, familial, susceptibility to, 2. Last evaluated: 2016-09-08. Review status: reviewed by expert panel. Criteria: ENIGMA BRCA1/2 Classification Criteria (2015). Collection method: curation. Allele origin: germline.
Comment: Variant allele predicted to encode a truncated non-functional protein.

Labcorp Genetics (formerly Invitae), Labcorp
Classification: Pathogenic for Hereditary breast ovarian cancer syndrome. Last evaluated: 2025-11-15. Review status: criteria provided, single submitter. Criteria: Invitae Variant Classification Sherloc (09022015). Collection method: clinical testing. Allele origin: germline. Not counted in ClinVar's aggregate classification.
Comment: This sequence change creates a premature translational stop signal (p.Trp2586*) in the BRCA2 gene. It is expected to result in an absent or disrupted protein product. Loss-of-function variants in BRCA2 are known to be pathogenic (PMID: 20104584). This variant is not present in population databases (gnomAD no frequency). This premature translational stop signal has been observed in individual(s) with breast, prostate and ovarian cancer (PMID: 2673801, 11802209, 16140926, 23035815, 23633455, 26681682). This variant is also known as c.7986G>A. ClinVar contains an entry for this variant (Variation ID: 38116). For these reasons, this variant has been classified as Pathogenic.

Color Diagnostics, LLC DBA Color Health
Classification: Pathogenic for Hereditary cancer-predisposing syndrome. Last evaluated: 2025-06-09. Review status: criteria provided, single submitter. Criteria: ACMG Guidelines, 2015. Collection method: clinical testing. Allele origin: germline. Not counted in ClinVar's aggregate classification.
Comment: This variant changes 1 nucleotide in exon 16 of the BRCA2 gene, creating a premature translation stop signal. This variant is expected to result in an absent or non-functional protein product. This variant has been reported in multiple individuals affected with breast and/or ovarian cancer (PMID: 24333842, 25628955, 33471991Leiden Open Variation Database DB-ID BRCA2_00326233918338, 34377931). This variant has not been identified in the general population by the Genome Aggregation Database (gnomAD). Loss of BRCA2 function is a known mechanism of disease. Based on the available evidence, this variant is classified as Pathogenic.

ARUP Laboratories, Molecular Genetics and Genomics, ARUP Laboratories
Classification: Pathogenic. Last evaluated: 2024-10-31. Review status: criteria provided, single submitter. Criteria: ARUP Molecular Germline Variant Investigation Process 2024. Collection method: clinical testing. Allele origin: germline. Not counted in ClinVar's aggregate classification.
Comment: The BRCA2 c.7758G>A; p.Trp2586Ter variant (rs80359004, ClinVar Variation ID: 38116) is reported in the literature in several individuals and families affected with breast and/or ovarian cancer (selected references: Abe 2022, Conner 2014, Meindl 2002, Nahleh 2014, Rebbeck 2018). This variant is absent from the Genome Aggregation Database (v2.1.1), indicating it is not a common polymorphism. This variant induces an early termination codon and is predicted to result in a truncated protein or mRNA subject to nonsense-mediated decay. Based on available information, this variant is considered to be pathogenic. References: Abe A et al. Prevalence of Pathogenic Germline BRCA1/2 Variants and Their Association with Clinical Characteristics in Patients with Epithelial Ovarian Cancer in a Rural Area of Japan. Genes (Basel). 2022 Jun 18;13(6):1085. PMID: 35741847. Conner JR et al. Outcome of unexpected adnexal neoplasia discovered during risk reduction salpingo-oophorectomy in women with germ-line BRCA1 or BRCA2 mutations. Gynecol Oncol. 2014 Feb;132(2):280-6. PMID: 24333842. Meindl A et al. Comprehensive analysis of 989 patients with breast or ovarian cancer provides BRCA1 and BRCA2 mutation profiles and frequencies for the German population. Int J Cancer. 2002 Feb 1;97(4):472-80. PMID: 11802209. Nahleh Z et al. Clinical and pathological characteristics of Hispanic BRCA-associated breast cancers in the American-Mexican border city of El Paso, TX. Am J Cancer Res. 2014 Dec 15;5(1):466-71. PMID: 25628955. Rebbeck TR et al. Mutational spectrum in a worldwide study of 29,700 families with BRCA1 or BRCA2 mutations. Hum Mutat. 2018 May;39(5):593-620. PMID: 29446198.

Molecular Pathology, Peter Maccallum Cancer Centre
Classification: Pathogenic for Breast-ovarian cancer, familial, susceptibility to, 2. Last evaluated: 2024-10-21. Review status: criteria provided, single submitter. Criteria: ACMG Guidelines, 2015. Collection method: clinical testing. Allele origin: germline. Inheritance: Autosomal dominant inheritance. Not counted in ClinVar's aggregate classification.

Institute of Human Genetics, University of Leipzig Medical Center
Classification: Pathogenic for Familial cancer of breast. Last evaluated: 2024-05-14. Review status: criteria provided, single submitter. Criteria: ACMG Guidelines, 2015. Collection method: clinical testing. Allele origin: maternal. Inheritance: Autosomal dominant inheritance. Affected: yes. Not counted in ClinVar's aggregate classification.
Comment: Criteria applied: PVS1,PM5_STR,PM2_SUP

Baylor Genetics
Classification: Pathogenic for Familial cancer of breast. Last evaluated: 2024-03-06. Review status: criteria provided, single submitter. Criteria: ACMG Guidelines, 2015. Collection method: clinical testing. Allele origin: unknown. Not counted in ClinVar's aggregate classification.

Institute of Human Genetics, University of Leipzig Medical Center
Classification: Pathogenic for Breast-ovarian cancer, familial, susceptibility to, 2. Last evaluated: 2022-05-30. Review status: criteria provided, single submitter. Criteria: ACMG Guidelines, 2015. Collection method: clinical testing. Allele origin: unknown. Affected: yes. Not counted in ClinVar's aggregate classification.
Comment: _x000D_ Criteria applied: PVS1, PS4_MOD, PM2_SUP

Research Institute, Aichi Cancer Center
Classification: Pathogenic for Hereditary breast ovarian cancer syndrome. Last evaluated: 2022-02-01. Review status: criteria provided, single submitter. Criteria: ACMG Guidelines, 2015. Collection method: research. Allele origin: germline. Affected: yes. Observed: 2 variant alleles. Not counted in ClinVar's aggregate classification.

Ambry Genetics
Classification: Pathogenic for Hereditary cancer-predisposing syndrome. Last evaluated: 2021-10-29. Review status: criteria provided, single submitter. Criteria: Ambry Variant Classification Scheme 2023. Collection method: clinical testing. Allele origin: germline. Not counted in ClinVar's aggregate classification.
Comment: The p.W2586* pathogenic mutation (also known as c.7758G>A), located in coding exon 15 of the BRCA2 gene, results from a G to A substitution at nucleotide position 7758. This changes the amino acid from a tryptophan to a stop codon within coding exon 15. This mutation has been reported in multiple breast and/or ovarian cancer patients and families (Meindl A et al. Int J Cancer, 2002 Feb;97:472-80; Perkowska M et al. Hum. Mutat., 2003 May;21:553-4; Weitzel JN et al. Cancer Epidemiol Biomarkers Prev, 2005 Jul;14:1666-71; J&ouml;nsson G et al. Cancer Res, 2005 Sep;65:7612-21; Sinilnikova OM et al. Fam Cancer, 2006;5:15-20; Callahan MJ et al. J Clin Oncol, 2007 Sep;25:3985-90; Watson P et al. J Clin Oncol, 2009 Aug;27:3894-900; George J et al. Clin Cancer Res, 2013 Jul;19:3474-84; Conner JR et al. Gynecol Oncol, 2014 Feb;132:280-6; Nahleh Z et al. Am J Cancer Res, 2015 Dec;5:466-71; Eccles DM et al. Ann Oncol, 2016 Mar;27:467-73; Rebbeck TR et al. Hum Mutat, 2018 05;39:593-620; Dorling et al. N Engl J Med. 2021 02;384:428-439), as well as at least one prostate cancer patient (Willems-Jones A et al. BJU Int, 2012 Dec;110:E1181-6). Of note, this mutation is also designated as 7986G>A in published literature. In addition to the clinical data presented in the literature, this alteration is expected to result in loss of function by premature protein truncation or nonsense-mediated mRNA decay. As such, this alteration is interpreted as a disease-causing mutation.

Institute of Medical Genetics and Applied Genomics, University Hospital Tübingen
Classification: Pathogenic. Last evaluated: 2020-10-23. Review status: criteria provided, single submitter. Criteria: ACMG Guidelines, 2015. Collection method: clinical testing. Allele origin: germline. Inheritance: Unknown mechanism. Affected: yes. Not counted in ClinVar's aggregate classification.